The following is an entry in ClinVar:

ClinVar aggregate classification (germline): Uncertain significance (1 of 4 stars; one submission).

Conditions:
Charcot-Marie-Tooth disease type 2. Also called: Charcot-Marie-Tooth type 2. Identifiers: Orphanet 64746, MedGen C0270914, MONDO:0018993.

Allele frequency attached by ClinVar (database versions not stated): gnomAD 0.00001; gnomAD exomes below 0.00001; TOPMed below 0.00001; ExAC 0.00001.
gnomAD v4.1: 2 of 1,614,082 alleles (0.00012%); highest among the groups gnomAD compares: Non-Finnish European, 0.000085%; no homozygotes.

Submission:

Labcorp Genetics (formerly Invitae), Labcorp
Classification: Uncertain significance for Charcot-Marie-Tooth disease type 2. Last evaluated: 2024-10-09. Review status: criteria provided, single submitter. Criteria: Invitae Variant Classification Sherloc (09022015). Collection method: clinical testing. Allele origin: germline.
Comment: This sequence change replaces histidine, which is basic and polar, with glutamine, which is neutral and polar, at codon 881 of the AARS protein (p.His881Gln). This variant is present in population databases (rs756031502, gnomAD 0.01%). This variant has not been reported in the literature in individuals affected with AARS-related conditions. ClinVar contains an entry for this variant (Variation ID: 2167848). Invitae Evidence Modeling of protein sequence and biophysical properties (such as structural, functional, and spatial information, amino acid conservation, physicochemical variation, residue mobility, and thermodynamic stability) indicates that this missense variant is not expected to disrupt AARS protein function with a negative predictive value of 95%. In summary, the available evidence is currently insufficient to determine the role of this variant in disease. Therefore, it has been classified as a Variant of Uncertain Significance.

NM_001605.3(AARS1):c.2643C>G (p.His881Gln)

Gene: AARS1 (alanyl-tRNA synthetase 1; minus strand). Cytogenetic location: 16q22.1.
Variant type: single nucleotide variant.
Coding change: c.2643C>G on transcript NM_001605.3 (MANE Select); coding-DNA position 2643, C replaced by G.
Protein change: p.His881Gln; replaces histidine 881 with glutamine.
Molecular consequence: missense variant.
Genome position (GRCh38, 1-based): chr16:70,253,346, G>C on the plus strand (C>G on the coding strand, the complement: AARS1 is on the minus strand). VCF-style: chr16-70253346-G-C. GRCh37 (hg19) VCF-style: chr16-70287249-G-C.
Other names: short protein forms H881Q.
Identifiers: ClinVar variation 2167848 (VCV002167848.4), dbSNP rs756031502, ClinGen allele CA8140317.
Genomic context (GRCh38, chr16:70,253,346, plus strand): 5'-GCACGTGATCTTGCCAGCCTCATTGTCCACCGTGAAGAGCATGGCAGAAGTCTGAGGGGA[G>C]TGCATCTTGAAGAGCTTCAAGGCTTCATTCAGGGCCTGTGGGGAGGACCTGGCTCAGGCC-3'
Protein context (NP_001596.2, residues 871-891): LNEALKLFKM[His881Gln]SPQTSAMLFT